The following is an entry in ClinVar:

NM_025132.4(WDR19):c.3875G>T (p.Cys1292Phe)

Gene: WDR19 (WD repeat domain 19; plus strand). Cytogenetic location: 4p14.
Variant type: single nucleotide variant.
Coding change: c.3875G>T on transcript NM_025132.4 (MANE Select); coding-DNA position 3875, G replaced by T.
Protein change: p.Cys1292Phe; replaces cysteine 1292 with phenylalanine.
Molecular consequence: missense variant.
Genome position (GRCh38, 1-based): chr4:39,278,165, G>T. VCF-style: chr4-39278165-G-T. GRCh37 (hg19) VCF-style: chr4-39279785-G-T.
Other names: NM_025132.4(WDR19):c.3875G>T; p.Cys1292Phe; c.3395G>T, p.Cys1132Phe (NM_001317924.2); short protein forms C1132F, C1292F.
Identifiers: ClinVar variation 1065668 (VCV001065668.8), dbSNP rs796543493, ClinGen allele CA95705489.
Genomic context (GRCh38, chr4:39,278,165, plus strand): 5'-TTAACTCTTAAACATCCTGTTTCCAGGGTCGACACATGTTGAAAGATGACTGGACGGTGT[G>T]TCCACATTGTGACTTCCCTGCTCTATACTCAGAATTGAAGATGTAAGTGTGCATCACGTC-3'
Protein context (NP_079408.3, residues 1282-1302): RHMLKDDWTV[Cys1292Phe]PHCDFPALYS

ClinVar aggregate classification (germline): Uncertain significance. Review status: criteria provided, multiple submitters, no conflicts (2 of 4 stars). 4 submissions from 4 submitters: Uncertain significance (4). Last evaluated 2024-05-17.

Conditions:
Asphyxiating thoracic dystrophy 5 (SRTD5). Also called: SHORT-RIB THORACIC DYSPLASIA 5 WITH OR WITHOUT POLYDACTYLY; SHORT-RIB THORACIC DYSPLASIA 5 WITHOUT POLYDACTYLY. Identifiers: Orphanet 474, MedGen C3280598, MONDO:0013717, OMIM 614376.
Senior-Loken syndrome 8 (SLSN8). Identifiers: Orphanet 3156, MedGen C4225376, MONDO:0014579, OMIM 616307.

Allele frequency attached by ClinVar (database versions not stated): gnomAD 0.00001; gnomAD exomes 0.00001 and 0.00002; TOPMed 0.00001.
gnomAD v4.1: 32 of 1,607,318 alleles (0.002%); highest among the groups gnomAD compares: Non-Finnish European, 0.0027%; no homozygotes.

Submissions (4):

Broad Center for Mendelian Genomics, Broad Institute of MIT and Harvard
Classification: Uncertain significance for Senior-Loken syndrome 8. Last evaluated: 2024-05-17. Review status: criteria provided, single submitter. Criteria: ACMG Guidelines, 2015. Collection method: curation. Allele origin: germline. Inheritance: Autosomal recessive inheritance.
Comment: However, the phase of these variants are unknown at this time. The variant has been identified in 0.002% (32/1176942) of European (non-Finnish) chromosomes by the Genome Aggregation Database (gnomAD; dbSNP (rs796543493)). Although this variant has been seen in the general population in a heterozygous state, its frequency is not high enough to rule out a pathogenic role. This variant has been reported in ClinVar (Variation ID: 1065668) and has been interpreted as uncertain significance by Ocular Genomics Institute, Massachusetts Eye and Ear, and Invitae. Computational prediction tools and conservation analyses suggest that this variant may impact the protein, though this information is not predictive enough to determine pathogenicity. In summary, the clinical significance of the p.Cys1292Phe variant is uncertain. ACMG/AMP Criteria applied: PM2_Supporting, PP3_Moderate (Richards 2015).

Blueprint Genetics
Classification: Uncertain significance. Last evaluated: 2022-07-20. Review status: criteria provided, single submitter. Criteria: ACMG Guidelines, 2015. Collection method: clinical testing. Allele origin: germline.

Labcorp Genetics (formerly Invitae), Labcorp
Classification: Uncertain significance for Senior-Loken syndrome 8; Asphyxiating thoracic dystrophy 5. Last evaluated: 2022-03-10. Review status: criteria provided, single submitter. Criteria: Invitae Variant Classification Sherloc (09022015). Collection method: clinical testing. Allele origin: germline.
Comment: This sequence change replaces cysteine, which is neutral and slightly polar, with phenylalanine, which is neutral and non-polar, at codon 1292 of the WDR19 protein (p.Cys1292Phe). The frequency data for this variant in the population databases is considered unreliable, as metrics indicate poor data quality at this position in the gnomAD database. This variant has not been reported in the literature in individuals affected with WDR19-related conditions. ClinVar contains an entry for this variant (Variation ID: 1065668). Algorithms developed to predict the effect of missense changes on protein structure and function (SIFT, PolyPhen-2, Align-GVGD) all suggest that this variant is likely to be disruptive. In summary, the available evidence is currently insufficient to determine the role of this variant in disease. Therefore, it has been classified as a Variant of Uncertain Significance.

Ocular Genomics Institute, Massachusetts Eye and Ear
Classification: Uncertain significance for Senior-Loken syndrome 8. Last evaluated: 2021-04-08. Review status: criteria provided, single submitter. Criteria: ACMG Guidelines, 2015. Collection method: research. Allele origin: germline. Affected: yes.
Comment: Through a review of available evidence we were able to apply the following criteria: PM2, PP3. Based on this evidence we have classified this variant as Variant of Uncertain Significance.